The following is an entry in ClinVar:

NM_024675.4(PALB2):c.2795T>G (p.Val932Gly)

Gene: PALB2 (partner and localizer of BRCA2; minus strand). Cytogenetic location: 16p12.2.
Variant type: single nucleotide variant.
Coding change: c.2795T>G on transcript NM_024675.4 (MANE Select); coding-DNA position 2795, T replaced by G.
Protein change: p.Val932Gly; replaces valine 932 with glycine.
Molecular consequence: missense variant.
Genome position (GRCh38, 1-based): chr16:23,624,048, A>C on the plus strand (T>G on the coding strand, the complement: PALB2 is on the minus strand). VCF-style: chr16-23624048-A-C. GRCh37 (hg19) VCF-style: chr16-23635369-A-C.
Other names: c.2735T>G, p.Val912Gly (NM_001407296.1); c.2723T>G, p.Val908Gly (NM_001407297.1); c.2633T>G, p.Val878Gly (NM_001407298.1, NM_001407302.1); c.2795T>G, p.Val932Gly (NM_001407299.1, NM_001407300.1, NM_001407301.1); c.1910T>G, p.Val637Gly (NM_001407304.1, NM_001407305.1, NM_001407306.1 and 4 more transcripts); c.1748T>G, p.Val583Gly (NM_001407307.1); c.1007T>G, p.Val336Gly (NM_001407312.1, NM_001407313.1); c.329T>G, p.Val110Gly (NM_001407314.1); short protein forms V110G, V637G, V912G, V583G, V908G, V336G, V878G, V932G.
Identifiers: ClinVar variation 2015591 (VCV002015591.4), dbSNP rs2506350142, ClinGen allele CA395145016.

ClinVar aggregate classification (germline): Uncertain significance (1 of 4 stars; one submission).

Conditions:
Familial cancer of breast. Also called: Hereditary breast cancer; BREAST CANCER, FAMILIAL; hereditary breast carcinoma. Identifiers: Orphanet 227535, MedGen C0346153, MONDO:0016419, OMIM 114480. Disease mechanism: loss of function.

Submission:

Labcorp Genetics (formerly Invitae), Labcorp
Classification: Uncertain significance for Familial cancer of breast. Last evaluated: 2022-07-09. Review status: criteria provided, single submitter. Criteria: Invitae Variant Classification Sherloc (09022015). Collection method: clinical testing. Allele origin: germline.
Comment: In summary, the available evidence is currently insufficient to determine the role of this variant in disease. Therefore, it has been classified as a Variant of Uncertain Significance. Algorithms developed to predict the effect of missense changes on protein structure and function (SIFT, PolyPhen-2, Align-GVGD) all suggest that this variant is likely to be disruptive. This variant has not been reported in the literature in individuals affected with PALB2-related conditions. This variant is not present in population databases (gnomAD no frequency). This sequence change replaces valine, which is neutral and non-polar, with glycine, which is neutral and non-polar, at codon 932 of the PALB2 protein (p.Val932Gly).